The following is an entry in ClinVar:

NM_006514.4(SCN10A):c.691+3G>A

Gene: SCN10A (sodium voltage-gated channel alpha subunit 10; minus strand). Cytogenetic location: 3p22.2.
Variant type: single nucleotide variant.
Coding change: c.691+3G>A on transcript NM_006514.4 (MANE Select); 3 bases into the intron after coding-DNA position 691, G replaced by A.
Molecular consequence: intron variant.
Genome position (GRCh38, 1-based): chr3:38,763,502, C>T on the plus strand (G>A on the coding strand, the complement: SCN10A is on the minus strand). VCF-style: chr3-38763502-C-T. GRCh37 (hg19) VCF-style: chr3-38804993-C-T.
Other names: c.691+3G>A (NM_001293307.2, NM_001293306.2).
Identifiers: ClinVar variation 1475095 (VCV001475095.6), dbSNP rs2063898424, ClinGen allele CA1047002878.

ClinVar aggregate classification (germline): Uncertain significance (1 of 4 stars; one submission).

Conditions:
Brugada syndrome. Also called: Sudden unexpected nocturnal death syndrome; Sudden Unexplained Death Syndrome; Sudden Unexplained Nocturnal Death Syndrome (SUNDS); Sudden unexplained nocturnal death syndrome. Identifiers: Orphanet 130, MedGen C1142166, MONDO:0015263.

Allele frequency attached by ClinVar (database versions not stated): gnomAD 0.00001; TOPMed 0.00001.
gnomAD v4.1: 2 of 1,610,402 alleles (0.00012%); highest among the groups gnomAD compares: African/African-American, 0.0013%; no homozygotes.

Submission:

Labcorp Genetics (formerly Invitae), Labcorp
Classification: Uncertain significance for Brugada syndrome. Last evaluated: 2024-12-16. Review status: criteria provided, single submitter. Criteria: Invitae Variant Classification Sherloc (09022015). Collection method: clinical testing. Allele origin: germline.
Comment: This sequence change falls in intron 5 of the SCN10A gene. It does not directly change the encoded amino acid sequence of the SCN10A protein. It affects a nucleotide within the consensus splice site. This variant is not present in population databases (gnomAD no frequency). This variant has not been reported in the literature in individuals affected with SCN10A-related conditions. ClinVar contains an entry for this variant (Variation ID: 1475095). Variants that disrupt the consensus splice site are a relatively common cause of aberrant splicing (PMID: 17576681, 9536098). Algorithms developed to predict the effect of sequence changes on RNA splicing suggest that this variant is not likely to affect RNA splicing. In summary, the available evidence is currently insufficient to determine the role of this variant in disease. Therefore, it has been classified as a Variant of Uncertain Significance.

Literature cited by the submitters: PubMed 17576681; PubMed 9536098.